The following is an entry in ClinVar:

NM_170707.4(LMNA):c.1850C>T (p.Ala617Val)

Gene: LMNA (lamin A/C; plus strand). Cytogenetic location: 1q22.
Variant type: single nucleotide variant.
Coding change: c.1850C>T on transcript NM_170707.4 (MANE Select); coding-DNA position 1850, C replaced by T.
Protein change: p.Ala617Val; replaces alanine 617 with valine.
Molecular consequence: missense variant. On other transcripts: intron variant (1).
Genome position (GRCh38, 1-based): chr1:156,138,639, C>T. VCF-style: chr1-156138639-C-T. GRCh37 (hg19) VCF-style: chr1-156108430-C-T.
Other names: c.1514C>T, p.Ala505Val (NM_001257374.3, NM_001406989.1); c.1850C>T, p.Ala617Val (NM_001406983.1, NM_001406985.1, NM_001406991.1); c.1607C>T, p.Ala536Val (NM_001406986.1, NM_001406987.1); c.1553C>T, p.Ala518Val (NM_001406988.1); c.1292C>T, p.Ala431Val (NM_001406990.1, NM_001406993.1, NM_001406995.1 and 2 more transcripts); c.1226C>T, p.Ala409Val (NM_001406994.1, NM_001406999.1, NM_001407000.1 and 1 more transcripts); c.1760C>T, p.Ala587Val (NM_170708.4); c.1818+32C>T (NM_001282626.2); short protein forms A409V, A431V, A505V, A518V, A536V, A587V, A617V.
Identifiers: ClinVar variation 4799974 (VCV004799974.1).

ClinVar aggregate classification (germline): Uncertain significance (1 of 4 stars; one submission).

Conditions:
Charcot-Marie-Tooth disease type 2. Also called: Charcot-Marie-Tooth type 2. Identifiers: Orphanet 64746, MedGen C0270914, MONDO:0018993.

Submission:

Labcorp Genetics (formerly Invitae), Labcorp
Classification: Uncertain significance for Charcot-Marie-Tooth disease type 2. Last evaluated: 2025-10-13. Review status: criteria provided, single submitter. Criteria: Invitae Variant Classification Sherloc (09022015). Collection method: clinical testing. Allele origin: germline.
Comment: This sequence change replaces alanine, which is neutral and non-polar, with valine, which is neutral and non-polar, at codon 617 of the LMNA protein (p.Ala617Val). This variant is not present in population databases (gnomAD no frequency). This variant has not been reported in the literature in individuals affected with LMNA-related conditions. Invitae Evidence Modeling of protein sequence and biophysical properties (such as structural, functional, and spatial information, amino acid conservation, physicochemical variation, residue mobility, and thermodynamic stability) indicates that this missense variant is expected to disrupt LMNA protein function with a positive predictive value of 95%. In summary, the available evidence is currently insufficient to determine the role of this variant in disease. Therefore, it has been classified as a Variant of Uncertain Significance.